The following is an entry in ClinVar:

ClinVar aggregate classification (germline): Benign/Likely benign. Review status: criteria provided, multiple submitters, no conflicts (2 of 4 stars). 7 submissions from 7 submitters: Benign (1); Likely benign (6). Last evaluated 2026-01-27.

Conditions:
Hereditary cancer-predisposing syndrome. Also called: Tumor predisposition; Neoplastic Syndromes, Hereditary; Hereditary Cancer Syndrome; Hereditary neoplastic syndrome. Identifiers: Orphanet 140162, MedGen C0027672, MeSH D009386, MONDO:0015356.
Familial cancer of breast. Also called: hereditary breast carcinoma; BREAST CANCER, FAMILIAL; Hereditary breast cancer. Identifiers: Orphanet 227535, MedGen C0346153, MONDO:0016419, OMIM 114480. Disease mechanism: loss of function.
Ataxia-telangiectasia syndrome (AT). Also called: LOUIS-BAR SYNDROME; Ataxia-telangiectasia, complementation group D; Ataxia telangiectasia (A-T); AT, COMPLEMENTATION GROUP C; ATAXIA-TELANGIECTASIA, COMPLEMENTATION GROUP A; ATAXIA-TELANGIECTASIA, FRESNO VARIANT. Identifiers: Orphanet 100, MedGen C0004135, MONDO:0008840, OMIM 208900.

Allele frequency attached by ClinVar (database versions not stated): gnomAD exomes below 0.00001 and 0.00001.
gnomAD v4.1: 7 of 1,614,084 alleles (0.00043%); highest among the groups gnomAD compares: Middle Eastern, 0.016%; no homozygotes.

Submissions (7):

Institute for Biomarker Research, Medical Diagnostic Laboratories, L.L.C.
Classification: Likely benign for Hereditary cancer-predisposing syndrome. Last evaluated: 2026-01-27. Review status: criteria provided, single submitter. Criteria: ACMG Guidelines, 2015. Collection method: clinical testing. Allele origin: germline.
Comment: The synonymous variant NM_000051.4(ATM):c.5589T>C (p.Ser1863=) has been reported to ClinVar as Benign/Likely benign with a status of (2 stars) criteria provided, multiple submitters, no conflicts (Accession: VCV000187659.39). The p.Ser1863= variant is observed in 1/113,416 (0.0009%) alleles from individuals of gnomAD Non Finnish European background in gnomAD. The p.Ser1863= variant is not predicted to disrupt an existing splice site. The p.Ser1863= variant results in a substitution of a base that is not predicted conserved by GERP++ and PhyloP. For these reasons, this variant has been classified as Likely Benign.

Labcorp Genetics (formerly Invitae), Labcorp
Classification: Likely benign for Ataxia-telangiectasia syndrome. Last evaluated: 2026-01-14. Review status: criteria provided, single submitter. Criteria: Invitae Variant Classification Sherloc (09022015). Collection method: clinical testing. Allele origin: germline.

CeGaT Center for Human Genetics Tuebingen
Classification: Likely benign. Last evaluated: 2025-09-01. Review status: criteria provided, single submitter. Criteria: CeGaT Center For Human Genetics Tuebingen Variant Classification Criteria Version 2. Collection method: clinical testing. Allele origin: germline. Affected: yes. Observed: 3 variant alleles.
Comment: ATM: BP4, BP7

Myriad Genetics, Inc.
Classification: Benign for Familial cancer of breast. Last evaluated: 2024-05-23. Review status: criteria provided, single submitter. Criteria: Myriad Autosomal Dominant, Autosomal Recessive and X-Linked Classification Criteria (2023). Collection method: clinical testing. Allele origin: unknown.
Comment: This variant is considered benign. This variant is a silent/synonymous amino acid change and it is not expected to impact splicing.

GeneDx
Classification: Likely benign. Last evaluated: 2019-08-07. Review status: criteria provided, single submitter. Criteria: GeneDx Variant Classification Process June 2021. Collection method: clinical testing. Allele origin: germline. Affected: yes.

Color Diagnostics, LLC DBA Color Health
Classification: Likely benign for Hereditary cancer-predisposing syndrome. Last evaluated: 2018-02-15. Review status: criteria provided, single submitter. Criteria: ACMG Guidelines, 2015. Collection method: clinical testing. Allele origin: germline.

Ambry Genetics
Classification: Likely benign for Hereditary cancer-predisposing syndrome. Last evaluated: 2014-12-22. Review status: criteria provided, single submitter. Criteria: Ambry Variant Classification Scheme 2023. Collection method: clinical testing. Allele origin: germline.

NM_000051.4(ATM):c.5589T>C (p.Ser1863=)

Gene: ATM (ATM serine/threonine kinase; plus strand). Cytogenetic location: 11q22.3.
Variant type: single nucleotide variant.
Coding change: c.5589T>C on transcript NM_000051.4 (MANE Select); coding-DNA position 5589, T replaced by C.
Protein change: p.Ser1863=; no amino-acid change (serine 1863 retained).
Molecular consequence: synonymous variant.
Genome position (GRCh38, 1-based): chr11:108,304,767, T>C. VCF-style: chr11-108304767-T-C. GRCh37 (hg19) VCF-style: chr11-108175494-T-C.
Other names: c.5589T>C, p.Ser1863= (NM_001351834.2).
Identifiers: ClinVar variation 187659 (VCV000187659.45), dbSNP rs786203902, ClinGen allele CA198218.
Genomic context (GRCh38, chr11:108,304,767, plus strand): 5'-ATACTTGATTCATGATATTTTACTCCAAGATACAAATGAATCATGGAGAAATCTGCTTTC[T>C]ACACATGTTCAGGGATTTTTCACCAGCTGTCTTCGACACTTCTCGCAAACGAGCCGATCC-3'
Protein context (NP_000042.3, residues 1853-1873): DTNESWRNLL[Ser1863=]THVQGFFTSC